The following is an entry in ClinVar:

ClinVar aggregate classification (germline): Uncertain significance (1 of 4 stars; one submission).

Conditions:
Inborn genetic diseases. Identifiers: MedGen C0950123, MeSH D030342.

Allele frequency attached by ClinVar (database versions not stated): TOPMed below 0.00001; gnomAD 0.00001; gnomAD exomes 0.00001; ExAC 0.00002.
gnomAD v4.1: 4 of 1,614,104 alleles (0.00025%); highest among the groups gnomAD compares: African/African-American, 0.0013%; no homozygotes.

Submission:

Ambry Genetics
Classification: Uncertain significance for Inborn genetic diseases. Last evaluated: 2022-02-01. Review status: criteria provided, single submitter. Criteria: Ambry Variant Classification Scheme 2023. Collection method: clinical testing. Allele origin: germline.
Comment: The p.V26I variant (also known as c.76G>A), located in coding exon 1 of the LRRK2 gene, results from a G to A substitution at nucleotide position 76. The valine at codon 26 is replaced by isoleucine, an amino acid with highly similar properties. This amino acid position is conserved. In addition, this alteration is predicted to be tolerated by in silico analysis. Since supporting evidence is limited at this time, the clinical significance of this alteration remains unclear.

NM_198578.4(LRRK2):c.76G>A (p.Val26Ile)

Gene: LRRK2 (leucine rich repeat kinase 2; plus strand). Cytogenetic location: 12q12.
Variant type: single nucleotide variant.
Coding change: c.76G>A on transcript NM_198578.4 (MANE Select); coding-DNA position 76, G replaced by A.
Protein change: p.Val26Ile; replaces valine 26 with isoleucine.
Molecular consequence: missense variant.
Genome position (GRCh38, 1-based): chr12:40,225,207, G>A. VCF-style: chr12-40225207-G-A. GRCh37 (hg19) VCF-style: chr12-40619009-G-A.
Other names: short protein forms V26I.
Identifiers: ClinVar variation 1760215 (VCV001760215.2), dbSNP rs752119684, ClinGen allele CA6512975.
Genomic context (GRCh38, chr12:40,225,207, plus strand): 5'-TGTCAGGGGTGCGAAGAGGACGAGGAAACTCTGAAGAAGTTGATAGTCAGGCTGAACAAT[G>A]TCCAGGAAGGAAAACAGATAGAAACGCTGGTCCAAATCCTGGAGGATCTGCTGGTGTTCA-3'
Protein context (NP_940980.4, residues 16-36): LKKLIVRLNN[Val26Ile]QEGKQIETLV